The following is an entry in ClinVar:

NM_000419.5(ITGA2B):c.3061-1G>A

Gene: ITGA2B (integrin subunit alpha 2b; minus strand). Cytogenetic location: 17q21.31.
Variant type: single nucleotide variant.
Coding change: c.3061-1G>A on transcript NM_000419.5 (MANE Select); the canonical splice acceptor site of the intron before coding-DNA position 3061, G replaced by A.
Molecular consequence: splice acceptor variant.
Genome position (GRCh38, 1-based): chr17:44,372,424, C>T on the plus strand (G>A on the coding strand, the complement: ITGA2B is on the minus strand). VCF-style: chr17-44372424-C-T. GRCh37 (hg19) VCF-style: chr17-42449792-C-T.
Other names: NM_000419.5:c.3061-1G>A.
Identifiers: ClinVar variation 1879037 (VCV001879037.2), dbSNP rs2510070789, ClinGen allele CA399787972.
Genomic context (GRCh38, chr17:44,372,424, plus strand): 5'-TCACTCCCCCTCTTCATCATCTTCTTCCAGGGGTGGCCGGTTCCGCTTGAAGAAGCCGAC[C>T]TGGGGGTACACGGGGGCCAAGGTCAGGGTATACAGATGATTTGCTGGCCCCAGAGCACAT-3'

ClinVar aggregate classification (germline): Pathogenic. Review status: reviewed by expert panel (3 of 4 stars). 2 submissions from 2 submitters: Pathogenic (1). 1 of the submissions does not count toward it. Last evaluated 2022-08-05.

Conditions:
Glanzmann thrombasthenia. Also called: PLATELET GLYCOPROTEIN IIb-IIIa DEFICIENCY; Thrombasthenia; Glanzmann's thrombasthenia; THROMBASTHENIA OF GLANZMANN AND NAEGELI. Identifiers: Orphanet 849, MedGen C0040015, MONDO:0100326.
Glanzmann thrombasthenia 1 (GT1). Also called: BLEEDING DISORDER, PLATELET-TYPE, 2; GP IIb-IIIa COMPLEX DEFICIENCY; GLYCOPROTEIN COMPLEX IIb-IIIa DEFICIENCY; PLATELET FIBRINOGEN RECEPTOR DEFICIENCY. Identifiers: MedGen CN300358, MONDO:0031332, OMIM 273800.

gnomAD v4.1: 1 of 1,614,010 alleles (0.000062%); highest among the groups gnomAD compares: Non-Finnish European, 0.000085%; no homozygotes.

Submissions (2):

ClinGen Platelet Disorders Variant Curation Expert Panel, ClinGen
Classification: Pathogenic for Glanzmann thrombasthenia. Last evaluated: 2022-08-05. Review status: reviewed by expert panel. Criteria: ClinGen Platelet ACMG Specifications v2-1. Collection method: curation. Allele origin: germline. Inheritance: Autosomal recessive inheritance.
Comment: The NM_000419.5(ITGA2B):c.3061-1G>A occurs within the canonical splice acceptor site of intron 29. It is predicted to cause skipping of biologically-relevant-exon 29, resulting in the in-frame deletion of 39 amino acids (3.7% of the protein) of the transmembrane region, which is considered a critical region by the PD-EP (PVS1_strong). At least one patient (GT31 in PMID: 25728920) with this variant displayed mucocutaneous bleeding and impaired aggregation with all agonists except ristocetin, which is highly specific for Glanzmann thrombasthenia. Additionally, αIIbβ3 surface expression was reduced to <5%, as measured by flow cytometry (PP4_strong). GT31 is compound heterozygous for c.1771dup (classified Pathogenic by the PD-EP) and c.3061-1G>A (PM3_supporting). This variant is absent from gnomAD v2.1.1 (PM2_Supporting). In summary this variant meets criteria to be classified as Pathogenic for autosomal recessive Glanzmann Thrombasthenia based on the ACMG/AMP criteria applied, as specified by the ClinGen PD VCEP: PVS1_strong, PP4_strong, PM2_supporting, PM3_supporting. (VCEP specifications version 2.1).

Variantyx, Inc.
Classification: Pathogenic for Glanzmann thrombasthenia 1. Last evaluated: 2025-05-25. Review status: criteria provided, single submitter. Criteria: Variantyx Assertion Criteria 2022. Collection method: clinical testing. Allele origin: germline. Inheritance: Autosomal recessive inheritance. Affected: no. Not counted in ClinVar's aggregate classification.
Comment: This is a canonical splicing variant in the ITGA2B gene (OMIM: 607759). Pathogenic variants in this gene have been associated with autosomal recessive Glanzmann thrombasthenia 1. This splicing variant is expected to result in loss of function, which is a known disease mechanism for ITGA2B in this disorder (PMID: 2014236) (PVS1). It has been reported in at least one affected individual who carried a second variant in this gene, but the phase of these variants could not be determined. However, the clinical symptoms reported for that individual were highly specific for autosomal recessive Glanzmann thrombasthenia 1, which has a limited genetic etiology (PMID: 25728920) (PP4). This variant has a 0.0001% maximum allele frequency in non-founder control populations (PM2) and it was reported as pathogenic by an expert panel in ClinVar. Based on the current evidence, this variant is classified as pathogenic for autosomal recessive Glanzmann thrombasthenia 1.

Literature cited by the submitters: PubMed 2014236 (cited by Variantyx, Inc.); PubMed 25728920 (cited by Variantyx, Inc.).